The following is an entry in ClinVar:

ClinVar aggregate classification (germline): Uncertain significance (1 of 4 stars; one submission).

Allele frequency attached by ClinVar (database versions not stated): gnomAD exomes below 0.00001; gnomAD 0.00001; TOPMed 0.00001; 1000 Genomes Project 30x 0.00016; 1000 Genomes Project 0.00020.
gnomAD v4.1: 4 of 1,613,872 alleles (0.00025%); highest among the groups gnomAD compares: African/African-American, 0.004%; no homozygotes.

Submission:

Labcorp Genetics (formerly Invitae), Labcorp
Classification: Uncertain significance. Last evaluated: 2024-07-29. Review status: criteria provided, single submitter. Criteria: Invitae Variant Classification Sherloc (09022015). Collection method: clinical testing. Allele origin: germline.
Comment: This sequence change falls in intron 6 of the DVL3 gene. It does not directly change the encoded amino acid sequence of the DVL3 protein. This variant is present in population databases (rs199549747, gnomAD 0.007%). This variant has not been reported in the literature in individuals affected with DVL3-related conditions. ClinVar contains an entry for this variant (Variation ID: 1464743). Algorithms developed to predict the effect of sequence changes on RNA splicing suggest that this variant may disrupt the consensus splice site. In summary, the available evidence is currently insufficient to determine the role of this variant in disease. Therefore, it has been classified as a Variant of Uncertain Significance.

NM_004423.4(DVL3):c.694-10T>C

Gene: DVL3 (dishevelled segment polarity protein 3; plus strand). Cytogenetic location: 3q27.1.
Variant type: single nucleotide variant.
Coding change: c.694-10T>C on transcript NM_004423.4 (MANE Select); 10 bases into the intron before coding-DNA position 694, T replaced by C.
Molecular consequence: intron variant.
Genome position (GRCh38, 1-based): chr3:184,165,412, T>C. VCF-style: chr3-184165412-T-C. GRCh37 (hg19) VCF-style: chr3-183883200-T-C.
Identifiers: ClinVar variation 1464743 (VCV001464743.8), dbSNP rs199549747, ClinGen allele CA88854052.